The following is an entry in ClinVar:

NM_014629.4(ARHGEF10):c.918C>T (p.Gly306=)

Gene: ARHGEF10 (Rho guanine nucleotide exchange factor 10; plus strand). Cytogenetic location: 8p23.3.
Variant type: single nucleotide variant.
Coding change: c.918C>T on transcript NM_014629.4 (MANE Select); coding-DNA position 918, C replaced by T.
Protein change: p.Gly306=; no amino-acid change (glycine 306 retained).
Molecular consequence: synonymous variant. On other transcripts: intron variant (1).
Genome position (GRCh38, 1-based): chr8:1,880,122, C>T. VCF-style: chr8-1880122-C-T. GRCh37 (hg19) VCF-style: chr8-1828288-C-T.
Other names: c.921C>T, p.Gly307= (NM_001308153.3); c.847-2513C>T (NM_001308152.2).
Identifiers: ClinVar variation 2060356 (VCV002060356.4), dbSNP rs780738889, ClinGen allele CA4600105.

ClinVar aggregate classification (germline): Uncertain significance (1 of 4 stars; one submission).

Allele frequency attached by ClinVar (database versions not stated): TOPMed 0.00001; ExAC 0.00001.
gnomAD v4.1: 7 of 1,614,060 alleles (0.00043%); highest among the groups gnomAD compares: Non-Finnish European, 0.00059%; no homozygotes.

Submission:

Labcorp Genetics (formerly Invitae), Labcorp
Classification: Uncertain significance. Last evaluated: 2022-06-16. Review status: criteria provided, single submitter. Criteria: Invitae Variant Classification Sherloc (09022015). Collection method: clinical testing. Allele origin: germline.
Comment: Algorithms developed to predict the effect of sequence changes on RNA splicing suggest that this variant may disrupt the consensus splice site. This sequence change affects codon 306 of the ARHGEF10 mRNA. It is a 'silent' change, meaning that it does not change the encoded amino acid sequence of the ARHGEF10 protein. This variant is present in population databases (rs780738889, gnomAD 0.003%). This variant has not been reported in the literature in individuals affected with ARHGEF10-related conditions. In summary, the available evidence is currently insufficient to determine the role of this variant in disease. Therefore, it has been classified as a Variant of Uncertain Significance.